The following is an entry in ClinVar:

ClinVar aggregate classification (germline): Uncertain significance (1 of 4 stars; one submission).

Conditions:
Autosomal recessive early-onset Parkinson disease 6 (PARK6). Also called: PARKINSON DISEASE 6, EARLY-ONSET; PARKINSON DISEASE 6, MODIFIER OF; PINK1-Related Parkinson Disease; PINK1 Type of Young-Onset Parkinson Disease. Identifiers: Orphanet 2828, MedGen C1853833, MONDO:0011613, OMIM 605909.

Allele frequency attached by ClinVar (database versions not stated): gnomAD 0.00001.
gnomAD v4.1: 7 of 1,356,868 alleles (0.00052%); highest among the groups gnomAD compares: Non-Finnish European, 0.00066%; no homozygotes.

Submission:

Labcorp Genetics (formerly Invitae), Labcorp
Classification: Uncertain significance for Autosomal recessive early-onset Parkinson disease 6. Last evaluated: 2022-10-13. Review status: criteria provided, single submitter. Criteria: Invitae Variant Classification Sherloc (09022015). Collection method: clinical testing. Allele origin: germline.
Comment: This variant is not present in population databases (gnomAD no frequency). This sequence change replaces glycine, which is neutral and non-polar, with valine, which is neutral and non-polar, at codon 39 of the PINK1 protein (p.Gly39Val). This variant has not been reported in the literature in individuals affected with PINK1-related conditions. In summary, the available evidence is currently insufficient to determine the role of this variant in disease. Therefore, it has been classified as a Variant of Uncertain Significance. Algorithms developed to predict the effect of missense changes on protein structure and function (SIFT, PolyPhen-2, Align-GVGD) all suggest that this variant is likely to be tolerated. ClinVar contains an entry for this variant (Variation ID: 1407492).

NM_032409.3(PINK1):c.116G>T (p.Gly39Val)

Gene: PINK1 (PTEN induced kinase 1; plus strand). Cytogenetic location: 1p36.12.
Variant type: single nucleotide variant.
Coding change: c.116G>T on transcript NM_032409.3 (MANE Select); coding-DNA position 116, G replaced by T.
Protein change: p.Gly39Val; replaces glycine 39 with valine.
Molecular consequence: missense variant.
Genome position (GRCh38, 1-based): chr1:20,633,664, G>T. VCF-style: chr1-20633664-G-T. GRCh37 (hg19) VCF-style: chr1-20960157-G-T.
Other names: short protein forms G39V.
Identifiers: ClinVar variation 1407492 (VCV001407492.5), dbSNP rs2053015980, ClinGen allele CA338853544.